The following is an entry in ClinVar:

ClinVar aggregate classification (germline): Benign/Likely benign. Review status: criteria provided, multiple submitters, no conflicts (2 of 4 stars). 8 submissions from 8 submitters: Benign (6); Likely benign (2). Last evaluated 2026-01-29.

Conditions:
Spastic paraplegia. Identifiers: MedGen C0037772, HP:0001258.
Hereditary spastic paraplegia 15 (SPG15). Also called: SPASTIC PARAPLEGIA 15, AUTOSOMAL RECESSIVE; SPASTIC PARAPLEGIA AND RETINAL DEGENERATION; KJELLIN SYNDROME. Identifiers: Orphanet 100996, MedGen C1849128, MONDO:0010044, OMIM 270700.
ZFYVE26-related disorder. Also called: ZFYVE26-related condition.
Hereditary spastic paraplegia. Also called: Familial spastic paraparesis. Identifiers: Orphanet 685, MedGen C0037773, MONDO:0019064. Disease mechanism: loss of function.

Allele frequency attached by ClinVar (database versions not stated): ESP Exome Variant Server 0.00038; gnomAD 0.00220 and 0.00311; gnomAD exomes 0.00258 and 0.00605; TOPMed 0.00345; ExAC 0.00581; 1000 Genomes Project 30x 0.01499; 1000 Genomes Project 0.01697.
gnomAD v4.1: 4,362 of 1,614,160 alleles (0.27%); highest among the groups gnomAD compares: East Asian, 8%; 163 homozygotes.

Submissions (8):

Labcorp Genetics (formerly Invitae), Labcorp
Classification: Benign for Spastic paraplegia. Last evaluated: 2026-01-29. Review status: criteria provided, single submitter. Criteria: Invitae Variant Classification Sherloc (09022015). Collection method: clinical testing. Allele origin: germline.

PreventionGenetics, part of Exact Sciences
Classification: Benign for ZFYVE26-related condition. Last evaluated: 2025-08-14. Review status: criteria provided, single submitter. Criteria: ACMG Guidelines, 2015. Collection method: clinical testing. Allele origin: germline.
Comment: This variant is classified as benign based on ACMG/AMP sequence variant interpretation guidelines (Richards et al. 2015 PMID: 25741868, with internal and published modifications).

GeneDx
Classification: Benign. Last evaluated: 2022-08-30. Review status: criteria provided, single submitter. Criteria: GeneDx Variant Classification Process June 2021. Collection method: clinical testing. Allele origin: germline. Affected: yes.
Comment: See Variant Classification Assertion Criteria.

Genome-Nilou Lab
Classification: Benign for Hereditary spastic paraplegia 15. Last evaluated: 2021-12-05. Review status: criteria provided, single submitter. Criteria: ACMG Guidelines, 2015. Collection method: clinical testing. Allele origin: germline. Affected: no.

Genome Diagnostics Laboratory, The Hospital for Sick Children
Classification: Benign for Hereditary spastic paraplegia. Last evaluated: 2018-08-01. Review status: criteria provided, single submitter. Criteria: ACMG Guidelines, 2015. Collection method: clinical testing. Allele origin: germline. Affected: yes.

Illumina Laboratory Services, Illumina
Classification: Benign for Hereditary spastic paraplegia 15. Last evaluated: 2018-01-13. Review status: criteria provided, single submitter. Criteria: ICSL Variant Classification Criteria 13 December 2019. Collection method: clinical testing. Allele origin: germline.
Comment: This variant was observed in the ICSL laboratory as part of a predisposition screen in an ostensibly healthy population. It had not been previously curated by ICSL or reported in the Human Gene Mutation Database (HGMD: prior to June 1st, 2018), and was therefore a candidate for classification through an automated scoring system. Utilizing variant allele frequency, disease prevalence and penetrance estimates, and inheritance mode, an automated score was calculated to assess if this variant is too frequent to cause the disease. Based on the score and internal cut-off values, a variant classified as benign is not then subjected to further curation. The score for this variant resulted in a classification of benign for this disease.

Athena Diagnostics
Classification: Likely benign. Last evaluated: 2015-06-29. Review status: criteria provided, single submitter. Criteria: Athena Diagnostics Criteria. Collection method: clinical testing. Allele origin: germline.

Breakthrough Genomics
Classification: Likely benign. Review status: criteria provided, single submitter. Criteria: ACMG Guidelines, 2015. Collection method: not provided. Allele origin: germline. Inheritance: Autosomal recessive inheritance. Affected: yes.

NM_015346.4(ZFYVE26):c.6405G>A (p.Leu2135=)

Gene: ZFYVE26 (zinc finger FYVE-type containing 26; minus strand). Cytogenetic location: 14q24.1.
Variant type: single nucleotide variant.
Coding change: c.6405G>A on transcript NM_015346.4 (MANE Select); coding-DNA position 6405, G replaced by A.
Protein change: p.Leu2135=; no amino-acid change (leucine 2135 retained).
Molecular consequence: synonymous variant.
Genome position (GRCh38, 1-based): chr14:67,761,549, C>T on the plus strand (G>A on the coding strand, the complement: ZFYVE26 is on the minus strand). VCF-style: chr14-67761549-C-T. GRCh37 (hg19) VCF-style: chr14-68228266-C-T.
Identifiers: ClinVar variation 313880 (VCV000313880.22), dbSNP rs76327447, ClinGen allele CA7239228.